The following is an entry in ClinVar:

NM_001384900.1(SEMA3D):c.374A>G (p.Asn125Ser)

Gene: SEMA3D (semaphorin 3D; minus strand). Cytogenetic location: 7q21.11.
Variant type: single nucleotide variant.
Coding change: c.374A>G on transcript NM_001384900.1 (MANE Select); coding-DNA position 374, A replaced by G.
Protein change: p.Asn125Ser; replaces asparagine 125 with serine.
Molecular consequence: missense variant.
Genome position (GRCh38, 1-based): chr7:85,081,518, T>C on the plus strand (A>G on the coding strand, the complement: SEMA3D is on the minus strand). VCF-style: chr7-85081518-T-C. GRCh37 (hg19) VCF-style: chr7-84710834-T-C.
Other names: c.374A>G, p.Asn125Ser (NM_001384901.1, NM_001384902.1, NM_001384903.1 and 1 more transcripts); short protein forms N125S.
Identifiers: ClinVar variation 3357126 (VCV003357126.2).

ClinVar aggregate classification (germline): Uncertain significance (1 of 4 stars; one submission).

Conditions:
SEMA3D-related disorder. Also called: SEMA3D-related condition.

Submission:

PreventionGenetics, part of Exact Sciences
Classification: Uncertain significance for SEMA3D-related condition. Last evaluated: 2026-01-10. Review status: criteria provided, single submitter. Criteria: ACMG Guidelines, 2015. Collection method: clinical testing. Allele origin: germline.
Comment: The SEMA3D c.374A>G variant is predicted to result in the amino acid substitution p.Asn125Ser. To our knowledge, this variant has not been reported in the literature or in a large population database (gnomAD), indicating this variant is rare. At this time, the clinical significance of this variant is uncertain due to the absence of conclusive functional and genetic evidence.